The following is an entry in ClinVar:

NM_001384910.1(GUCA1A):c.310A>G (p.Asn104Asp)

Genes: GUCA1A (guanylate cyclase activator 1A; plus strand), GUCA1ANB-GUCA1A (GUCA1ANB-GUCA1A readthrough; plus strand). Cytogenetic location: 6p21.1.
Variant type: single nucleotide variant.
Coding change: c.310A>G on transcript NM_001384910.1 (MANE Select); coding-DNA position 310, A replaced by G.
Protein change: p.Asn104Asp; replaces asparagine 104 with aspartic acid.
Molecular consequence: missense variant.
Genome position (GRCh38, 1-based): chr6:42,178,388, A>G. VCF-style: chr6-42178388-A-G. GRCh37 (hg19) VCF-style: chr6-42146126-A-G.
Other names: c.310A>G, p.Asn104Asp (NM_000409.5, NM_001319061.2, NM_001319062.2); short protein forms N104D.
Identifiers: ClinVar variation 1303724 (VCV001303724.5), dbSNP rs1338444450, ClinGen allele CA364109218.

ClinVar aggregate classification (germline): Uncertain significance. Review status: criteria provided, multiple submitters, no conflicts (2 of 4 stars). 2 submissions from 2 submitters: Uncertain significance (2). Last evaluated 2023-09-11.

Allele frequency attached by ClinVar (database versions not stated): gnomAD exomes below 0.00001 and 0.00001; TOPMed below 0.00001; gnomAD 0.00001.

Submissions (2):

Labcorp Genetics (formerly Invitae), Labcorp
Classification: Uncertain significance. Last evaluated: 2023-09-11. Review status: criteria provided, single submitter. Criteria: Invitae Variant Classification Sherloc (09022015). Collection method: clinical testing. Allele origin: germline.
Comment: This variant has not been reported in the literature in individuals affected with GUCA1A-related conditions. ClinVar contains an entry for this variant (Variation ID: 1303724). This variant is present in population databases (no rsID available, gnomAD 0.0009%). This sequence change replaces asparagine, which is neutral and polar, with aspartic acid, which is acidic and polar, at codon 104 of the GUCA1A protein (p.Asn104Asp). In summary, the available evidence is currently insufficient to determine the role of this variant in disease. Therefore, it has been classified as a Variant of Uncertain Significance. This variant disrupts the p.Asn104 amino acid residue in GUCA1A. Other variant(s) that disrupt this residue have been determined to be pathogenic (PMID: 18706439; Invitae). This suggests that this residue is clinically significant, and that variants that disrupt this residue are likely to be disease-causing. An algorithm developed to predict the effect of missense changes on protein structure and function (PolyPhen-2) suggests that this variant is likely to be disruptive.

GeneDx
Classification: Uncertain significance. Last evaluated: 2019-06-04. Review status: criteria provided, single submitter. Criteria: GeneDx Variant Classification Process June 2021. Collection method: clinical testing. Allele origin: germline. Affected: yes.
Comment: In silico analysis, which includes protein predictors and evolutionary conservation, supports a deleterious effect; Has not been previously published as pathogenic or benign to our knowledge

Literature cited by the submitters: PubMed 18706439 (cited by Labcorp Genetics (formerly Invitae), Labcorp).